The following is an entry in ClinVar:

ClinVar aggregate classification (germline): Likely pathogenic. Review status: criteria provided, single submitter (1 of 4 stars). 2 submissions from 2 submitters: Likely pathogenic (1). 1 of the submissions does not count toward it. Last evaluated 2023-07-29.

Conditions:
Ehlers-Danlos syndrome, type 4 (EDSVASC). Also called: Ehlers-Danlos syndrome vascular type; Ehlers Danlos syndrome, ecchymotic type; Ehlers Danlos syndrome, arterial type; Ehlers Danlos syndrome, Sack-Barabas type; Ehlers-Danlos Syndrome Type IV. Identifiers: Orphanet 286, MedGen C0268338, MONDO:0017314, OMIM 130050.

Submissions (2):

Labcorp Genetics (formerly Invitae), Labcorp
Classification: Likely pathogenic for Ehlers-Danlos syndrome, type 4. Last evaluated: 2023-07-29. Review status: criteria provided, single submitter. Criteria: Invitae Variant Classification Sherloc (09022015). Collection method: clinical testing. Allele origin: germline.
Comment: In summary, the currently available evidence indicates that the variant is pathogenic, but additional data are needed to prove that conclusively. Therefore, this variant has been classified as Likely Pathogenic. This variant disrupts the triple helix domain of COL3A1. Glycine residues within the Gly-Xaa-Yaa repeats of the triple helix domain are required for the structure and stability of fibrillar collagens (PMID: 7695699, 8218237, 19344236). In COL3A1, variants that affect these glycine residues are significantly enriched in individuals with disease (PMID: 24922459, 25758994) compared to the general population (ExAC). Experimental studies and prediction algorithms are not available or were not evaluated, and the functional significance of this variant is currently unknown. ClinVar contains an entry for this variant (Variation ID: 101245). This missense change has been observed in individual(s) with vascular Ehlers-Danlos syndrome (PMID: 24922459, 25758994). This variant is not present in population databases (gnomAD no frequency). This sequence change replaces glycine, which is neutral and non-polar, with valine, which is neutral and non-polar, at codon 762 of the COL3A1 protein (p.Gly762Val).

Collagen Diagnostic Laboratory, University of Washington
Classification: Pathogenic for Ehlers-Danlos syndrome, type 4. Review status: no assertion criteria provided. Collection method: clinical testing. Allele origin: germline. Affected: yes. Not counted in ClinVar's aggregate classification.

Literature cited by the submitters: PubMed 7695699 (cited by Labcorp Genetics (formerly Invitae), Labcorp); PubMed 8218237 (cited by Labcorp Genetics (formerly Invitae), Labcorp); PubMed 19344236 (cited by Labcorp Genetics (formerly Invitae), Labcorp); PubMed 24922459 (cited by Labcorp Genetics (formerly Invitae), Labcorp); PubMed 25758994 (cited by Labcorp Genetics (formerly Invitae), Labcorp).

NM_000090.4(COL3A1):c.2285G>T (p.Gly762Val)

Gene: COL3A1 (collagen type III alpha 1 chain; plus strand). Cytogenetic location: 2q32.2.
Variant type: single nucleotide variant.
Coding change: c.2285G>T on transcript NM_000090.4 (MANE Select); coding-DNA position 2285, G replaced by T.
Protein change: p.Gly762Val; replaces glycine 762 with valine.
Molecular consequence: missense variant.
Genome position (GRCh38, 1-based): chr2:189,001,398, G>T. VCF-style: chr2-189001398-G-T. GRCh37 (hg19) VCF-style: chr2-189866124-G-T.
Identifiers: ClinVar variation 101245 (VCV000101245.11), dbSNP rs587779541, ClinGen allele CA005297.